The following is an entry in ClinVar:

NM_182931.3(KMT2E):c.3123G>A (p.Thr1041=)

Gene: KMT2E (lysine methyltransferase 2E (inactive); plus strand). Cytogenetic location: 7q22.3.
Variant type: single nucleotide variant.
Coding change: c.3123G>A on transcript NM_182931.3 (MANE Select); coding-DNA position 3123, G replaced by A.
Protein change: p.Thr1041=; no amino-acid change (threonine 1041 retained).
Molecular consequence: synonymous variant.
Genome position (GRCh38, 1-based): chr7:105,107,580, G>A. VCF-style: chr7-105107580-G-A. GRCh37 (hg19) VCF-style: chr7-104748027-G-A.
Other names: c.3123G>A, p.Thr1041= (NM_001410908.1, NM_018682.4); c.3123G>A (NM_182931.2).
Identifiers: ClinVar variation 2077825 (VCV002077825.6), dbSNP rs146313083, ClinGen allele CA4424407.
Genomic context (GRCh38, chr7:105,107,580, plus strand): 5'-AGACCTTCAGCTAGGACTCGATGCAGTTGAGCCAACTGCCCTACATAAAACCCTGGAAAC[G>A]CCTGCACATGACAGGGCTGAGCCCAACAGCCAACTGGACTCGACTCACTCTGGACGGGGC-3'
Protein context (NP_891847.1, residues 1031-1051): EPTALHKTLE[Thr1041=]PAHDRAEPNS

ClinVar aggregate classification (germline): Likely benign. Review status: criteria provided, single submitter (1 of 4 stars). 2 submissions from 2 submitters: Likely benign (1). 1 of the submissions does not count toward it. Last evaluated 2025-07-21.

Conditions:
KMT2E-related disorder. Also called: KMT2E-related condition.

Allele frequency attached by ClinVar (database versions not stated): ExAC 0.00005; ESP Exome Variant Server 0.00008; gnomAD exomes 0.00011; TOPMed 0.00014; gnomAD 0.00015.
gnomAD v4.1: 191 of 1,613,964 alleles (0.012%); highest among the groups gnomAD compares: African/African-American, 0.041%; no homozygotes.

Submissions (2):

Labcorp Genetics (formerly Invitae), Labcorp
Classification: Likely benign. Last evaluated: 2025-07-21. Review status: criteria provided, single submitter. Criteria: Invitae Variant Classification Sherloc (09022015). Collection method: clinical testing. Allele origin: germline.

PreventionGenetics, part of Exact Sciences
Classification: Likely benign for KMT2E-related condition. Last evaluated: 2021-12-31. Review status: no assertion criteria provided. Collection method: clinical testing. Allele origin: germline. Not counted in ClinVar's aggregate classification.
Comment: This variant is classified as likely benign based on ACMG/AMP sequence variant interpretation guidelines (Richards et al. 2015 PMID: 25741868, with internal and published modifications).